The following is an entry in ClinVar:

ClinVar aggregate classification (germline): Conflicting classifications of pathogenicity. Review status: criteria provided, conflicting classifications (1 of 4 stars). 16 submissions from 12 submitters: Uncertain significance (4); Benign (3); Likely benign (8). 1 of the submissions does not count toward it. Last evaluated 2026-05-14.

Conditions:
Hereditary cancer-predisposing syndrome. Also called: Neoplastic Syndromes, Hereditary; Hereditary Cancer Syndrome; Tumor predisposition; Hereditary neoplastic syndrome. Identifiers: Orphanet 140162, MedGen C0027672, MeSH D009386, MONDO:0015356.
Cardiovascular phenotype. Identifiers: MedGen CN230736.
NF1-related disorder. Also called: NF1-related condition. Identifiers: MedGen CN379171.
Neurofibromatosis-Noonan syndrome (NFNS). Also called: NEUROFIBROMATOSIS WITH NOONAN PHENOTYPE. Identifiers: Orphanet 638, MedGen C2931482, MONDO:0011035, OMIM 601321. Disease mechanism: loss of function.
Neurofibromatosis, familial spinal (FSNF). Identifiers: Orphanet 636, MedGen C1834235, MONDO:0008078, OMIM 162210. Disease mechanism: loss of function.
Neurofibromatosis, type 1 (NF1). Also called: VON RECKLINGHAUSEN DISEASE; Peripheral type neurofibromatosis; NEUROFIBROMATOSIS, TYPE I, SOMATIC; Neurofibromatosis, type I. Identifiers: Orphanet 636, MedGen C0027831, MONDO:0018975, OMIM 162200. Disease mechanism: loss of function.
Café-au-lait macules with pulmonary stenosis (WTSN). Also called: PULMONIC STENOSIS WITH CAFE-AU-LAIT SPOTS. Identifiers: MedGen C0553586, MONDO:0008672, OMIM 193520.

Allele frequency attached by ClinVar (database versions not stated): ESP Exome Variant Server 0.00015; ExAC 0.00017; gnomAD exomes 0.00017 and 0.00020; gnomAD 0.00029 and 0.00031; TOPMed 0.00045.
gnomAD v4.1: 342 of 1,613,828 alleles (0.021%); highest among the groups gnomAD compares: Middle Eastern, 0.099%; 3 homozygotes.

Submissions (16):

Myriad Genetics, Inc.
Classification: Likely benign for Neurofibromatosis, type 1. Last evaluated: 2026-05-14. Review status: criteria provided, single submitter. Criteria: Myriad Autosomal Dominant, Autosomal Recessive and X-Linked Classification Criteria (2023). Collection method: clinical testing. Allele origin: unknown.
Comment: This variant is considered likely benign. This variant has been observed at a population frequency that is significantly greater than expected given the associated disease prevalence and penetrance.

Labcorp Genetics (formerly Invitae), Labcorp
Classification: Benign for Neurofibromatosis, type 1. Last evaluated: 2026-02-03. Review status: criteria provided, single submitter. Criteria: Invitae Variant Classification Sherloc (09022015). Collection method: clinical testing. Allele origin: germline.

Dasa
Classification: Likely benign. Last evaluated: 2025-11-03. Review status: criteria provided, single submitter. Criteria: DASA Assertion Criteria. Collection method: clinical testing. Allele origin: germline.
Comment: NM_001042492.3(NF1):c.8041A>G (p.Ile2681Val) is a missense variant that results in the substitution of isoleucine with valine. Multiple computational predictions suggest no deleterious effect on the gene or gene product. The variant is present at low frequency in population datasets. Based on the available data, this variant is classified as likely benign.

Blueprint Genetics
Classification: Likely benign. Last evaluated: 2024-11-06. Review status: criteria provided, single submitter. Criteria: ACMG Guidelines, 2015. Collection method: clinical testing. Allele origin: germline.

KCCC/NGS Laboratory, Kuwait Cancer Control Center
Classification: Likely benign for Neurofibromatosis, familial spinal. Last evaluated: 2023-07-07. Review status: criteria provided, single submitter. Criteria: ACMG Guidelines, 2015. Collection method: clinical testing. Allele origin: germline. Affected: yes.

Women's Health and Genetics/Laboratory Corporation of America, LabCorp
Classification: Benign. Last evaluated: 2021-11-30. Review status: criteria provided, single submitter. Criteria: LabCorp Variant Classification Summary - May 2015. Collection method: clinical testing. Allele origin: germline.
Comment: Variant summary: NF1 c.7978A>G (p.Ile2660Val) results in a conservative amino acid change in the encoded protein sequence. Four of five in-silico tools predict a benign effect of the variant on protein function. The variant allele was found at a frequency of 0.00017 in 251356 control chromosomes, predominantly at a frequency of 0.0011 within the Ashkenazi Jewish subpopulation in the gnomAD database. The observed variant frequency within Ashkenazi Jewish control individuals in the gnomAD database is approximately 5 fold of the estimated maximal expected allele frequency for a pathogenic variant in NF1 causing Neurofibromatosis Type 1 phenotype (0.00021), strongly suggesting that the variant is a benign polymorphism found primarily in populations of Ashkenazi Jewish origin. c.7978A>G has been reported in the literature in individuals affected with Neurofibromatosis Type 1 and some cancers (example, Griffiths_2007, Zhang_2016, Koczkowska_2018). From the literature, the penetrance of Neurofibromatosis Type 1 (0.67) due to this variant appears to be lower than expected (0.8), therefore no conclusions can be drawn from these data. Co-occurrences with other pathogenic variants in NF1 have been reported (c.2530C>T, p.L844F [ClinVar 68321]; c.3916C>T, p.R1306X [ClinVar 404592]), providing supporting evidence for a benign role. To our knowledge, no experimental evidence demonstrating an impact on protein function has been reported. Five ClinVar submitters have assessed this variant after 2014: four have classified the variant as likely benign/benign, and one has classified the variant as of uncertain significance. Based on the evidence outlined above, the variant was classified as benign.

Sema4
Classification: Benign for Hereditary cancer-predisposing syndrome. Last evaluated: 2021-02-10. Review status: criteria provided, single submitter. Criteria: Sema4 Curation Guidelines. Collection method: curation. Allele origin: germline.

GeneDx
Classification: Likely benign. Last evaluated: 2020-11-11. Review status: criteria provided, single submitter. Criteria: GeneDx Variant Classification Process June 2021. Collection method: clinical testing. Allele origin: germline. Affected: yes.
Comment: This variant is associated with the following publications: (PMID: 16944272)

Genome Diagnostics Laboratory, The Hospital for Sick Children
Classification: Likely benign for Neurofibromatosis, type 1. Last evaluated: 2020-10-26. Review status: criteria provided, single submitter. Criteria: ACMG Guidelines, 2015. Collection method: clinical testing. Allele origin: germline. Affected: yes.

Ambry Genetics
Classification: Likely benign for Cardiovascular phenotype; Hereditary cancer-predisposing syndrome. Last evaluated: 2019-05-07. Review status: criteria provided, single submitter. Criteria: Ambry Variant Classification Scheme 2023. Collection method: clinical testing. Allele origin: germline.

Illumina Laboratory Services, Illumina
Classification: Uncertain significance for Neurofibromatosis, familial spinal. Last evaluated: 2017-04-27. Review status: criteria provided, single submitter. Criteria: ICSL Variant Classification Criteria 13 December 2019. Collection method: clinical testing. Allele origin: germline.

Illumina Laboratory Services, Illumina
Classification: Uncertain significance for Neurofibromatosis-Noonan syndrome. Last evaluated: 2017-04-27. Review status: criteria provided, single submitter. Criteria: ICSL Variant Classification Criteria 13 December 2019. Collection method: clinical testing. Allele origin: germline.

Illumina Laboratory Services, Illumina
Classification: Uncertain significance for Café-au-lait macules with pulmonary stenosis. Last evaluated: 2017-04-27. Review status: criteria provided, single submitter. Criteria: ICSL Variant Classification Criteria 13 December 2019. Collection method: clinical testing. Allele origin: germline.

Illumina Laboratory Services, Illumina
Classification: Uncertain significance for Neurofibromatosis, type 1. Last evaluated: 2017-04-27. Review status: criteria provided, single submitter. Criteria: ICSL Variant Classification Criteria 13 December 2019. Collection method: clinical testing. Allele origin: germline.
Comment: This variant was observed as part of a predisposition screen in an ostensibly healthy population. A literature search was performed for the gene, cDNA change, and amino acid change (where applicable). Publications were found based on this search. However, the evidence from the literature, in combination with allele frequency data from public databases where available, was not sufficient to rule this variant in or out of causing disease. Therefore, this variant is classified as a variant of unknown significance.

Ambry Genetics
Classification: Likely benign for Hereditary cancer-predisposing syndrome. Last evaluated: 2015-11-11. Review status: criteria provided, single submitter. Criteria: Ambry Autosomal Dominant and X-Linked criteria (10/2015). Collection method: clinical testing. Allele origin: germline. Observed: 1 variant allele.
Comment: Co-occurence with mutation in same gene (phase unknown);In silico models in agreement (benign);Other data supporting benign classification

PreventionGenetics, part of Exact Sciences
Classification: Likely benign for NF1-related condition. Last evaluated: 2021-02-05. Review status: no assertion criteria provided. Collection method: clinical testing. Allele origin: germline. Not counted in ClinVar's aggregate classification.
Comment: This variant is classified as likely benign based on ACMG/AMP sequence variant interpretation guidelines (Richards et al. 2015 PMID: 25741868, with internal and published modifications).

Literature cited by the submitters: PubMed 16944272 (cited by 3 submitters); PubMed 26580448 (cited by Women's Health and Genetics/Laboratory Corporation of America, LabCorp); PubMed 10678181 (cited by Women's Health and Genetics/Laboratory Corporation of America, LabCorp); PubMed 23460398 (cited by Women's Health and Genetics/Laboratory Corporation of America, LabCorp); PubMed 29872168 (cited by Women's Health and Genetics/Laboratory Corporation of America, LabCorp); PubMed 29290338 (cited by Women's Health and Genetics/Laboratory Corporation of America, LabCorp); PubMed 31422574 (cited by Women's Health and Genetics/Laboratory Corporation of America, LabCorp); PubMed 27069254 (cited by Women's Health and Genetics/Laboratory Corporation of America, LabCorp); PubMed 33471991 (cited by Women's Health and Genetics/Laboratory Corporation of America, LabCorp).

NM_001042492.3(NF1):c.8041A>G (p.Ile2681Val)

Gene: NF1 (neurofibromin 1; plus strand). Cytogenetic location: 17q11.2.
Variant type: single nucleotide variant.
Coding change: c.8041A>G on transcript NM_001042492.3 (MANE Select); coding-DNA position 8041, A replaced by G.
Protein change: p.Ile2681Val; replaces isoleucine 2681 with valine.
Molecular consequence: missense variant.
Genome position (GRCh38, 1-based): chr17:31,358,550, A>G. VCF-style: chr17-31358550-A-G. GRCh37 (hg19) VCF-style: chr17-29685568-A-G.
Other names: c.7978A>G, p.Ile2660Val (NM_000267.4); short protein forms I2660V, I2681V.
Identifiers: ClinVar variation 141895 (VCV000141895.30), dbSNP rs146315101, ClinGen allele CA166728.